The following is an entry in ClinVar:

ClinVar aggregate classification (germline): Uncertain significance. Review status: criteria provided, multiple submitters, no conflicts (2 of 4 stars). 3 submissions from 3 submitters: Uncertain significance (3). Last evaluated 2025-07-31.

Conditions:
OTUD6B-related disorder. Also called: OTUD6B-related condition.
Inborn genetic diseases. Identifiers: MedGen C0950123, MeSH D030342.

Allele frequency attached by ClinVar (database versions not stated): gnomAD exomes 0.00004; gnomAD 0.00005; TOPMed 0.00006; ExAC 0.00008.
gnomAD v4.1: 72 of 1,593,112 alleles (0.0045%); highest among the groups gnomAD compares: Admixed American, 0.0071%; no homozygotes.

Submissions (3):

Ambry Genetics
Classification: Uncertain significance for Inborn genetic diseases. Last evaluated: 2025-07-31. Review status: criteria provided, single submitter. Criteria: Ambry Variant Classification Scheme 2023. Collection method: clinical testing. Allele origin: germline.

PreventionGenetics, part of Exact Sciences
Classification: Uncertain significance for OTUD6B-related condition. Last evaluated: 2023-03-20. Review status: criteria provided, single submitter. Criteria: ACMG Guidelines, 2015. Collection method: clinical testing. Allele origin: germline.
Comment: The OTUD6B c.133C>G variant is predicted to result in the amino acid substitution p.Leu45Val. To our knowledge, this variant has not been reported in the literature. This variant is reported in 0.0064% of alleles in individuals of European (Non-Finnish) descent in gnomAD. At this time, the clinical significance of this variant is uncertain due to the absence of conclusive functional and genetic evidence.

Breakthrough Genomics
Classification: Uncertain significance. Review status: criteria provided, single submitter. Criteria: ACMG Guidelines, 2015. Collection method: not provided. Allele origin: germline. Inheritance: Autosomal recessive inheritance. Affected: yes.

NM_016023.5(OTUD6B):c.43C>G (p.Leu15Val)

Genes: OTUD6B (OTU deubiquitinase 6B; plus strand), LOC130000726 (ATAC-STARR-seq lymphoblastoid active region 27614; plus strand). Cytogenetic location: 8q21.3.
Variant type: single nucleotide variant.
Coding change: c.43C>G on transcript NM_016023.5 (MANE Select); coding-DNA position 43, C replaced by G.
Protein change: p.Leu15Val; replaces leucine 15 with valine.
Molecular consequence: missense variant. On other transcripts: 5 prime UTR variant (1).
Genome position (GRCh38, 1-based): chr8:91,070,427, C>G. VCF-style: chr8-91070427-C-G. GRCh37 (hg19) VCF-style: chr8-92082655-C-G.
Other names: c.-401C>G (NM_001286745.3); c.43C>G, p.Leu15Val (NM_001416022.1); short protein forms L15V.
Identifiers: ClinVar variation 2634577 (VCV002634577.3), dbSNP rs758606974, ClinGen allele CA4804664.